The following is an entry in ClinVar:

NM_001046.3(SLC12A2):c.154G>A (p.Asp52Asn)

Genes: SLC12A2 (solute carrier family 12 member 2; plus strand), LOC129994526 (ATAC-STARR-seq lymphoblastoid silent region 16295; plus strand). Cytogenetic location: 5q23.3.
Variant type: single nucleotide variant.
Coding change: c.154G>A on transcript NM_001046.3 (MANE Select); coding-DNA position 154, G replaced by A.
Protein change: p.Asp52Asn; replaces aspartic acid 52 with asparagine.
Molecular consequence: missense variant. On other transcripts: non-coding transcript variant (1).
Genome position (GRCh38, 1-based): chr5:128,084,108, G>A. VCF-style: chr5-128084108-G-A. GRCh37 (hg19) VCF-style: chr5-127419800-G-A.
Other names: c.154G>A, p.Asp52Asn (NM_001256461.2); short protein forms D52N.
Identifiers: ClinVar variation 3235029 (VCV003235029.1), dbSNP rs572300062, ClinGen allele CA3392745.

ClinVar aggregate classification (germline): Uncertain significance (1 of 4 stars; one submission).

Conditions:
Delpire-McNeill syndrome. Also called: SLC12A2-related autosomal dominant infantile-developmental delay-intellectual disability-sensorineural deafness syndrome. Identifiers: Orphanet 633024, MedGen C5436771, MONDO:0033667, OMIM 619083.

Allele frequency attached by ClinVar (database versions not stated): gnomAD 0.00001; 1000 Genomes Project 30x 0.00016; 1000 Genomes Project 0.00020.

Submission:

Neuberg Centre For Genomic Medicine, NCGM
Classification: Uncertain significance for Delpire-McNeill syndrome. Review status: criteria provided, single submitter. Criteria: ACMG Guidelines, 2015. Collection method: clinical testing. Allele origin: germline. Inheritance: Autosomal recessive inheritance. Affected: yes.
Comment: The missense c.154G>Ap.Asp52Asn variant in the SLC12A2 gene has not been reported previously as a pathogenic variant nor as a benign variant, to our knowledge. The p.Asp52Asn variant is reported with an allele frequency of 0 but since it is covered in fewer than 50% of individuals, the allele frequency estimates may not be reliable as per the gnomAD Exomes. The variant is novel not in any individuals in 1000 Genomes. The amino acid Aspartic Acid at position 52 is changed to an Asparagine changing protein sequence and it might alter its composition and physico-chemical properties. For these reasons, this variant has been classified as Uncertain Significance.